The following is an entry in ClinVar:

ClinVar aggregate classification (germline): Pathogenic/Likely pathogenic. Review status: criteria provided, multiple submitters, no conflicts (2 of 4 stars). 9 submissions from 9 submitters: Pathogenic (4); Likely pathogenic (4). 1 of the submissions does not count toward it. Last evaluated 2026-08-06.

Conditions:
Biotinidase deficiency. Also called: Biotin deficiency; BTD deficiency; Late-onset biotin-responsive multiple carboxylase deficiency. Identifiers: Orphanet 79241, MedGen C0220754, MONDO:0009665, OMIM 253260.

Allele frequency attached by ClinVar (database versions not stated): 1000 Genomes Project 30x 0.00031; gnomAD exomes 0.00001; gnomAD 0.00001; ExAC 0.00003; TOPMed below 0.00001.
gnomAD v4.1: 15 of 1,614,142 alleles (0.00093%); highest among the groups gnomAD compares: South Asian, 0.013%; no homozygotes.

Submissions (9):

OLLIN Analises Genomicas, OLLIN
Classification: Pathogenic for Biotinidase deficiency. Last evaluated: 2026-08-06. Review status: criteria provided, single submitter. Criteria: ACMG Guidelines 2015 PMID 25741868. Collection method: clinical testing. Allele origin: germline. Inheritance: Autosomal recessive inheritance.
Comment: This missense variant, located in exon 4 (of 4), has been reported in ClinVar (accession VCV000156003.27) and in gnomAD with an allele frequency of 0.00093%. However, to our knowledge, it has not been reported in the scientific literature. In silico analysis predicts that this variant has a deleterious effect. Another pathogenic variant affecting the same amino acid residue has been reported. According to the currently available evidence, this variant has been classified as pathogenic (PM2_P, PM3_S, PP3_S, PM5).

Labcorp Genetics (formerly Invitae), Labcorp
Classification: Pathogenic for Biotinidase deficiency. Last evaluated: 2026-01-19. Review status: criteria provided, single submitter. Criteria: Invitae Variant Classification Sherloc (09022015). Collection method: clinical testing. Allele origin: germline.
Comment: This sequence change replaces threonine, which is neutral and polar, with isoleucine, which is neutral and non-polar, at codon 234 of the BTD protein (p.Thr234Ile). This variant is present in population databases (rs587783005, gnomAD 0.03%). This missense change has been observed in individual(s) with biotinidase deficiency (PMID: 24797656, 27657684). In at least one individual the data is consistent with being in trans (on the opposite chromosome) from a pathogenic variant. ClinVar contains an entry for this variant (Variation ID: 156003). Invitae Evidence Modeling of protein sequence and biophysical properties (such as structural, functional, and spatial information, amino acid conservation, physicochemical variation, residue mobility, and thermodynamic stability) indicates that this missense variant is expected to disrupt BTD protein function with a positive predictive value of 95%. For these reasons, this variant has been classified as Pathogenic.

Natera, Inc.
Classification: Likely pathogenic for Biotinidase deficiency. Last evaluated: 2025-07-08. Review status: criteria provided, single submitter. Criteria: Natera Variant Classification Schema (03/2026). Collection method: clinical testing. Allele origin: germline.
Comment: The c.641C>T variant in BTD is a missense variant predicted to cause substitution of threonine to isoleucine at amino acid 214. This variant is rare in the general population with a frequency below the threshold expected for the associated phenotype(s). This variant has been observed in one or more individuals affected with the associated recessive disease, as either homozygous or compound heterozygous with a second variant (PMID: 27657684). This variant has been identified in one or more affected individuals with a phenotype highly consistent with the associated gene (PMID: 27657684). Computational prediction algorithms indicate this variant is likely to affect gene or protein function. Given the available evidence, this variant is classified as Likely Pathogenic.

Baylor Genetics
Classification: Pathogenic for Biotinidase deficiency. Last evaluated: 2024-01-05. Review status: criteria provided, single submitter. Criteria: ACMG Guidelines, 2015. Collection method: clinical testing. Allele origin: unknown.

Women's Health and Genetics/Laboratory Corporation of America, LabCorp
Classification: Pathogenic for Biotinidase deficiency. Last evaluated: 2022-12-22. Review status: criteria provided, single submitter. Criteria: LabCorp Variant Classification Summary - May 2015. Collection method: clinical testing. Allele origin: germline.
Comment: Variant summary: BTD c.641C>T (p.Thr214Ile), also known as c.701C>T (p.Thr234Ile), results in a non-conservative amino acid change in the encoded protein sequence. Five of five in-silico tools predict a damaging effect of the variant on protein function. The variant allele was found at a frequency of 3.2e-05 in 251482 control chromosomes. c.641C>T has been reported in the literature in multiple homozygous and compound heterozygous individuals affected with Biotinidase Deficiency (Li_2014, Wolf_2017). These data indicate that the variant is very likely to be associated with disease. To our knowledge, no experimental evidence demonstrating an impact on protein function has been reported. Three submitters provided clinical-significance assessments for this variant to ClinVar after 2014, and all laboratories classified the variant as pathogenic/likely pathogenic. Based on the evidence outlined above, the variant was classified as pathogenic.

Fulgent Genetics
Classification: Likely pathogenic for Biotinidase deficiency. Last evaluated: 2021-11-24. Review status: criteria provided, single submitter. Criteria: ACMG Guidelines, 2015. Collection method: clinical testing. Allele origin: unknown.

Illumina Laboratory Services, Illumina
Classification: Likely pathogenic for Biotinidase deficiency. Last evaluated: 2017-10-09. Review status: criteria provided, single submitter. Criteria: ICSL Variant Classification Criteria 09 May 2019. Collection method: clinical testing. Allele origin: germline.
Comment: The BTD c.701C>T (p.Thr234Ile) missense variant has been reported in at least three individuals, including in a homozygous state in one individual with profound biotinidase deficiency, and in a compound heterozygous state in two individuals, including one with profound and one with partial biotinidase deficiency (Li et al. 2014; Wolf et al. 2017). Control data are unavailable for this variant, which is reported at a frequency of 0.00026 in the South Asian population of the Genome Aggregation Database. Based on the evidence, the p.Thr234Ile variant is classified as likely pathogenic for biotinidase deficiency. This variant was observed by ICSL as part of a predisposition screen in an ostensibly healthy population.

Neuberg Centre For Genomic Medicine, NCGM
Classification: Likely pathogenic for Biotinidase deficiency. Review status: criteria provided, single submitter. Criteria: ACMG Guidelines, 2015. Collection method: clinical testing. Allele origin: germline. Affected: yes.
Comment: The missense variant p.T214I in BTD (NM_001281723.3) has been reported previously in homozygous and compound heterozygous state in affected individuals (Li H et al,Wolf B et al). The variant has been submitted to ClinVar as Pathogenic/Likely Pathogenic. Functional data is not available for this variant. The p.T214I variant is observed in 8/30,616 (0.0261%) alleles from individuals of South Asian background in gnomAD Exomes and is novel (not in any individuals) in 1000 Genomes. There is a moderate physicochemical difference between threonine and isoleucine. The p.T214I missense variant is predicted to be damaging by both SIFT and PolyPhen2. The threonine residue at codon 214 of BTD is conserved in all mammalian species. The nucleotide c.641 in BTD is predicted conserved by GERP++ and PhyloP across 100 vertebrates. For these reasons, this variant has been classified as Likely Pathogenic.

Molecular Genetics Diagnostic Laboratory, Detroit Medical Center University Laboratories
Classification: Pathogenic for Biotinidase deficiency. Review status: no assertion criteria provided. Collection method: clinical testing. Allele origin: germline. Affected: yes. Observed: 2 variant alleles. Not counted in ClinVar's aggregate classification.

Literature cited by the submitters: PubMed 24797656 (cited by 4 submitters); PubMed 27657684 (cited by 4 submitters); PubMed 25144890 (cited by Illumina Laboratory Services, Illumina).

NM_001370658.1(BTD):c.641C>T (p.Thr214Ile)

Gene: BTD (biotinidase; plus strand). Cytogenetic location: 3p25.1.
Variant type: single nucleotide variant.
Coding change: c.641C>T on transcript NM_001370658.1 (MANE Select); coding-DNA position 641, C replaced by T.
Protein change: p.Thr214Ile; replaces threonine 214 with isoleucine.
Molecular consequence: missense variant. On other transcripts: intron variant (6).
Genome position (GRCh38, 1-based): chr3:15,644,557, C>T. VCF-style: chr3-15644557-C-T. GRCh37 (hg19) VCF-style: chr3-15686064-C-T.
Other names: c.641C>T, p.Thr214Ile (NM_001407376.1, NM_001407377.1, NM_001407378.1 and 18 more transcripts); c.399+2500C>T (NM_001370753.1, NM_001407400.1, NM_001407380.1 and 3 more transcripts); c.701C>T, p.Thr234Ile (NM_000060.4); c.[707C>T] (NM_001281723.2); short protein forms T214I.
Identifiers: ClinVar variation 156003 (VCV000156003.28), dbSNP rs587783005, ClinGen allele CA278439.